The following is an entry in ClinVar:

NM_001142864.4(PIEZO1):c.2180+5G>A

Genes: HSALR1 (HSP90AB1 associated lncRNA 1; plus strand), PIEZO1 (piezo type mechanosensitive ion channel component 1 (Er blood group); minus strand). Cytogenetic location: 16q24.3.
Variant type: single nucleotide variant.
Coding change: c.2180+5G>A on transcript NM_001142864.4 (MANE Select); 5 bases into the intron after coding-DNA position 2180, G replaced by A.
Molecular consequence: intron variant.
Genome position (GRCh38, 1-based): chr16:88,734,351, C>T on the plus strand (G>A on the coding strand, the complement: PIEZO1 is on the minus strand). VCF-style: chr16-88734351-C-T. GRCh37 (hg19) VCF-style: chr16-88800759-C-T.
Other names: p.?.
Identifiers: ClinVar variation 4542097 (VCV004542097.2).

ClinVar aggregate classification (germline): Uncertain significance. Review status: criteria provided, multiple submitters, no conflicts (2 of 4 stars). 2 submissions from 2 submitters: Uncertain significance (2). Last evaluated 2025-08-29.

gnomAD v4.1: 39 of 1,517,342 alleles (0.0026%); highest among the groups gnomAD compares: Admixed American, 0.012%; no homozygotes.

Submissions (2):

Mayo Clinic Laboratories, Mayo Clinic
Classification: Uncertain significance. Last evaluated: 2025-08-29. Review status: criteria provided, single submitter. Criteria: ACMG Guidelines, 2015. Collection method: clinical testing. Allele origin: germline. Observed: 1 variant allele.
Comment: PM2_supporting

Labcorp Genetics (formerly Invitae), Labcorp
Classification: Uncertain significance. Last evaluated: 2025-04-02. Review status: criteria provided, single submitter. Criteria: Invitae Variant Classification Sherloc (09022015). Collection method: clinical testing. Allele origin: germline.
Comment: This sequence change falls in intron 16 of the PIEZO1 gene. It does not directly change the encoded amino acid sequence of the PIEZO1 protein. It affects a nucleotide within the consensus splice site. This variant is present in population databases (rs759756482, gnomAD 0.01%). This variant has not been reported in the literature in individuals affected with PIEZO1-related conditions. Variants that disrupt the consensus splice site are a relatively common cause of aberrant splicing (PMID: 17576681, 9536098). Algorithms developed to predict the effect of sequence changes on RNA splicing suggest that this variant is not likely to affect RNA splicing. In summary, the available evidence is currently insufficient to determine the role of this variant in disease. Therefore, it has been classified as a Variant of Uncertain Significance.

Literature cited by the submitters: PubMed 17576681 (cited by Labcorp Genetics (formerly Invitae), Labcorp); PubMed 9536098 (cited by Labcorp Genetics (formerly Invitae), Labcorp).